The following is an entry in ClinVar:

ClinVar aggregate classification (germline): Uncertain significance (1 of 4 stars; one submission).

Conditions:
X-linked Alport syndrome (ATS1). Also called: COL4A5-Related Nephropathy; NEPHROPATHY AND DEAFNESS, X-LINKED. Identifiers: Orphanet 63, Orphanet 88917, MedGen C4746986, MONDO:0010520, OMIM 301050.

Submission:

Department of Nephrology, Rheumatology and Immunology, Shanghai Children's Hospital
Classification: Uncertain significance for X-linked Alport syndrome. Last evaluated: 2018-08-08. Review status: criteria provided, single submitter. Criteria: ACMG Guidelines, 2015. Collection method: clinical testing. Allele origin: maternal. Affected: yes. Observed: 1 variant allele.
Comment: The NM_000495.5(COL4A5):c.688G>A (p.Gly230Ser) is a missense variant located in a Gly-X-Y repeat of the collagenous domain. This variant is absent in the gnomAD v3.1.2 (GRCh38) population database (PM2). Multiple computational tools, including SIFT, PolyPhen, and MutationTaster, predict this variant to have a deleterious effect on the protein product (PP3). In summary, this variant meets criteria to be classified as Uncertain Significance for Alport syndrome based on the ACMG/AMP 2015 criteria applied: PM2, PP1, PP3, PP4.

NM_033380.3(COL4A5):c.688G>A (p.Gly230Ser)

Gene: COL4A5 (collagen type IV alpha 5 chain; plus strand). Cytogenetic location: Xq22.3.
Variant type: single nucleotide variant.
Coding change: c.688G>A on transcript NM_033380.3 (MANE Select); coding-DNA position 688, G replaced by A.
Protein change: p.Gly230Ser; replaces glycine 230 with serine.
Molecular consequence: missense variant.
Genome position (GRCh38, 1-based): chrX:108,578,291, G>A. VCF-style: chrX-108578291-G-A. GRCh37 (hg19) VCF-style: chrX-107821521-G-A.
Other names: c.688G>A, p.Gly230Ser (NM_000495.5); short protein forms G230S.
Identifiers: ClinVar variation 4796727 (VCV004796727.1).